The following is an entry in ClinVar:

ClinVar aggregate classification (germline): Uncertain significance. Review status: criteria provided, multiple submitters, no conflicts (2 of 4 stars). 2 submissions from 2 submitters: Uncertain significance (2). Last evaluated 2024-09-09.

Conditions:
Cardiomyopathy (CMYO). Also called: Cardiomyopathies. Identifiers: Orphanet 167848, MedGen C0878544, MONDO:0004994, HP:0001638. Inheritance: Various modes of inheritance.

gnomAD v4.1: 1 of 1,601,194 alleles (0.000062%); highest among the groups gnomAD compares: Non-Finnish European, 0.000085%; no homozygotes.

Submissions (2):

GeneDx
Classification: Uncertain significance. Last evaluated: 2024-09-09. Review status: criteria provided, single submitter. Criteria: GeneDx Variant Classification Process June 2021. Collection method: clinical testing. Allele origin: germline. Affected: yes.
Comment: Reported as a variant of uncertain significance in an individual referred for HCM panel testing; however, further patient-specific details were limited (PMID: 37652022); Not observed at significant frequency in large population cohorts (gnomAD); In silico analysis supports that this missense variant has a deleterious effect on protein structure/function; This variant is associated with the following publications: (PMID: 37652022)

Color Diagnostics, LLC DBA Color Health
Classification: Uncertain significance for Cardiomyopathy. Last evaluated: 2024-05-16. Review status: criteria provided, single submitter. Criteria: ACMG Guidelines, 2015. Collection method: clinical testing. Allele origin: germline.
Comment: This missense variant replaces alanine with glycine at codon 1105 of the MYBPC3 protein. Computational prediction tools indicate that this variant's impact on protein structure and function is inconclusive. To our knowledge, functional studies have not been reported for this variant. This variant has not been reported in individuals affected with MYBPC3-related disorders in the literature. This variant has not been identified in the general population by the Genome Aggregation Database (gnomAD). The available evidence is insufficient to determine the role of this variant in disease conclusively. Therefore, this variant is classified as a Variant of Uncertain Significance.

NM_000256.3(MYBPC3):c.3314C>G (p.Ala1105Gly)

Gene: MYBPC3 (myosin binding protein C3; minus strand). Cytogenetic location: 11p11.2.
Variant type: single nucleotide variant.
Coding change: c.3314C>G on transcript NM_000256.3 (MANE Select); coding-DNA position 3314, C replaced by G.
Protein change: p.Ala1105Gly; replaces alanine 1105 with glycine.
Molecular consequence: missense variant.
Genome position (GRCh38, 1-based): chr11:47,333,210, G>C on the plus strand (C>G on the coding strand, the complement: MYBPC3 is on the minus strand). VCF-style: chr11-47333210-G-C. GRCh37 (hg19) VCF-style: chr11-47354761-G-C.
Other names: short protein forms A1105G.
Identifiers: ClinVar variation 3767556 (VCV003767556.2), dbSNP rs786204356.